The following is an entry in ClinVar:

ClinVar aggregate classification (germline): Uncertain significance (1 of 4 stars; one submission).

Conditions:
Benign neonatal seizures. Also called: Benign familial neonatal seizures; Benign neonatal familial convulsions; Benign familial neonatal epilepsy; Convulsions benign familial neonatal dominant form; Autosomal dominant form of benign neonatal seizures. Identifiers: Orphanet 1949, MedGen C0220669, MONDO:0016027.

Submission:

Labcorp Genetics (formerly Invitae), Labcorp
Classification: Uncertain significance for Benign neonatal seizures. Last evaluated: 2021-05-27. Review status: criteria provided, single submitter. Criteria: Invitae Variant Classification Sherloc (09022015). Collection method: clinical testing. Allele origin: germline.
Comment: In summary, the available evidence is currently insufficient to determine the role of this variant in disease. Therefore, it has been classified as a Variant of Uncertain Significance. Experimental studies and prediction algorithms are not available or were not evaluated, and the functional significance of this variant is currently unknown. This variant has not been reported in the literature in individuals with KCNQ3-related conditions. This variant is not present in population databases (ExAC no frequency). This sequence change creates a premature translational stop signal (p.Glu743Cysfs*24) in the KCNQ3 gene. While this is not anticipated to result in nonsense mediated decay, it is expected to disrupt the last 130 amino acid(s) of the KCNQ3 protein.

NM_004519.4(KCNQ3):c.2222_2225dup (p.Glu743fs)

Gene: KCNQ3 (potassium voltage-gated channel subfamily Q member 3; minus strand). Cytogenetic location: 8q24.22.
Variant type: Duplication.
Coding change: c.2222_2225dup on transcript NM_004519.4 (MANE Select); coding-DNA positions 2222 to 2225, 4 bases duplicated (ATGT; older notation c.2222_2225dupATGT).
Protein change: p.Glu743fs; shifts the reading frame from glutamic acid 743.
Molecular consequence: frameshift variant.
Genome position (GRCh38, 1-based): chr8:132,129,656-132,129,659, ACAT duplicated on the plus strand (ATGT on the coding strand, the reverse complement: KCNQ3 is on the minus strand); duplicating any 4 consecutive bases within chr8:132,129,656-132,129,661 gives the same sequence; the c. name uses the placement nearest the transcript's 3' end. VCF-style (leftmost placement, unchanged base first): chr8-132129655-C-CACAT. GRCh37 (hg19) VCF-style: chr8-133141902-C-CACAT.
Other names: c.1862_1865dup, p.Glu623fs (NM_001204824.2); short protein forms E623fs, E743fs.
Identifiers: ClinVar variation 1447873 (VCV001447873.8), dbSNP rs2130923450, ClinGen allele CA2573142861.
Genomic context (GRCh38, chr8:132,129,655, plus strand): 5'-GGAGTGGCAGCTCACTCGGGAGTCGAGAAGAGTCAAGATAGGCAGGACCGTGGGCCTCTC[C>CACAT]ACATACGTTGTTGCTGAGGAAGGAGGAGTTGCCTGAACCTTTCCAGAACTGGGTCCCCCT-3'